The following is an entry in ClinVar:

NM_006363.6(SEC23B):c.1244A>G (p.Glu415Gly)

Gene: SEC23B (SEC23 homolog B, COPII component; plus strand). Cytogenetic location: 20p11.23.
Variant type: single nucleotide variant.
Coding change: c.1244A>G on transcript NM_006363.6 (MANE Select); coding-DNA position 1244, A replaced by G.
Protein change: p.Glu415Gly; replaces glutamic acid 415 with glycine.
Molecular consequence: missense variant.
Genome position (GRCh38, 1-based): chr20:18,532,674, A>G. VCF-style: chr20-18532674-A-G. GRCh37 (hg19) VCF-style: chr20-18513318-A-G.
Other names: c.1244A>G, p.Glu415Gly (NM_001172745.3, NM_032985.6, NM_032986.5); c.1190A>G, p.Glu397Gly (NM_001172746.3); short protein forms E397G, E415G.
Identifiers: ClinVar variation 2131787 (VCV002131787.4), dbSNP rs2517485600, ClinGen allele CA408362651.

ClinVar aggregate classification (germline): Uncertain significance (1 of 4 stars; one submission).

Conditions:
Congenital dyserythropoietic anemia, type II (CDAN2). Also called: DYSERYTHROPOIETIC ANEMIA, HEMPAS TYPE. Identifiers: Orphanet 98873, MedGen C1306589, MONDO:0009134, OMIM 224100.
Cowden syndrome 7 (CWS7). Identifiers: Orphanet 201, MedGen C4225179, MONDO:0014802, OMIM 616858.

Submission:

Labcorp Genetics (formerly Invitae), Labcorp
Classification: Uncertain significance for Congenital dyserythropoietic anemia, type II; Cowden syndrome 7. Last evaluated: 2024-02-23. Review status: criteria provided, single submitter. Criteria: Invitae Variant Classification Sherloc (09022015). Collection method: clinical testing. Allele origin: germline.
Comment: This sequence change replaces glutamic acid, which is acidic and polar, with glycine, which is neutral and non-polar, at codon 415 of the SEC23B protein (p.Glu415Gly). This variant is not present in population databases (gnomAD no frequency). This variant has not been reported in the literature in individuals affected with SEC23B-related conditions. ClinVar contains an entry for this variant (Variation ID: 2131787). Advanced modeling of protein sequence and biophysical properties (such as structural, functional, and spatial information, amino acid conservation, physicochemical variation, residue mobility, and thermodynamic stability) performed at Invitae indicates that this missense variant is not expected to disrupt SEC23B protein function with a negative predictive value of 80%. In summary, the available evidence is currently insufficient to determine the role of this variant in disease. Therefore, it has been classified as a Variant of Uncertain Significance.